The following is an entry in ClinVar:

NM_000393.5(COL5A2):c.1714C>G (p.Arg572Gly)

Gene: COL5A2 (collagen type V alpha 2 chain; minus strand). Cytogenetic location: 2q32.2.
Variant type: single nucleotide variant.
Coding change: c.1714C>G on transcript NM_000393.5 (MANE Select); coding-DNA position 1714, C replaced by G.
Protein change: p.Arg572Gly; replaces arginine 572 with glycine.
Molecular consequence: missense variant.
Genome position (GRCh38, 1-based): chr2:189,064,559, G>C on the plus strand (C>G on the coding strand, the complement: COL5A2 is on the minus strand). VCF-style: chr2-189064559-G-C. GRCh37 (hg19) VCF-style: chr2-189929285-G-C.
Other names: short protein forms R572G.
Identifiers: ClinVar variation 3615609 (VCV003615609.2).

ClinVar aggregate classification (germline): Uncertain significance (1 of 4 stars; one submission).

Conditions:
Ehlers-Danlos syndrome, classic type, 1 (EDSCL1). Also called: EHLERS-DANLOS SYNDROME, GRAVIS TYPE; EHLERS-DANLOS SYNDROME, SEVERE CLASSIC TYPE; Ehlers-Danlos syndrome, type 1; Ehlers-Danlos Syndrome, Classic Type, COL5A1-Related; EDS I. Identifiers: MedGen C0268335, MONDO:0019567, OMIM 130000.

Submission:

Labcorp Genetics (formerly Invitae), Labcorp
Classification: Uncertain significance for Ehlers-Danlos syndrome, classic type, 1. Last evaluated: 2024-09-14. Review status: criteria provided, single submitter. Criteria: Invitae Variant Classification Sherloc (09022015). Collection method: clinical testing. Allele origin: germline.
Comment: This sequence change replaces arginine, which is basic and polar, with glycine, which is neutral and non-polar, at codon 572 of the COL5A2 protein (p.Arg572Gly). This variant is not present in population databases (gnomAD no frequency). This variant has not been reported in the literature in individuals affected with COL5A2-related conditions. An algorithm developed to predict the effect of missense changes on protein structure and function (PolyPhen-2) suggests that this variant is likely to be disruptive. In summary, the available evidence is currently insufficient to determine the role of this variant in disease. Therefore, it has been classified as a Variant of Uncertain Significance.